The following is an entry in ClinVar:

ClinVar aggregate classification (germline): Benign. Review status: criteria provided, multiple submitters, no conflicts (2 of 4 stars). 4 submissions from 4 submitters: Benign (4). Last evaluated 2026-02-04.

Conditions:
Immunodeficiency, common variable, 12 (CVID12). Also called: NFKB1 DEFICIENCY; IMMUNODEFICIENCY, COMMON VARIABLE, 12, WITH AUTOIMMUNITY. Identifiers: Orphanet 1572, Orphanet 696874, MedGen C4225277, MONDO:0014697, OMIM 616576.

Submissions (4):

Labcorp Genetics (formerly Invitae), Labcorp
Classification: Benign. Last evaluated: 2026-02-04. Review status: criteria provided, single submitter. Criteria: Invitae Variant Classification Sherloc (09022015). Collection method: clinical testing. Allele origin: germline.

Women's Health and Genetics/Laboratory Corporation of America, LabCorp
Classification: Benign. Last evaluated: 2026-01-21. Review status: criteria provided, single submitter. Criteria: LabCorp Variant Classification Summary - May 2015. Collection method: clinical testing. Allele origin: germline.

ARUP Laboratories, Molecular Genetics and Genomics, ARUP Laboratories
Classification: Benign for Immunodeficiency, common variable, 12. Last evaluated: 2025-07-16. Review status: criteria provided, single submitter. Criteria: ARUP Molecular Germline Variant Investigation Process 2024. Collection method: clinical testing. Allele origin: germline.

Mayo Clinic Laboratories, Mayo Clinic
Classification: Benign. Last evaluated: 2023-12-14. Review status: criteria provided, single submitter. Criteria: ACMG Guidelines, 2015. Collection method: clinical testing. Allele origin: germline. Observed: 4 variant alleles.
Comment: BA1, BS2, BP4, BP7

Literature cited by the submitters: PubMed 36228008 (cited by Mayo Clinic Laboratories, Mayo Clinic).

NM_003998.4(NFKB1):c.2749+11dup

Gene: NFKB1 (nuclear factor kappa B subunit 1; plus strand). Cytogenetic location: 4q24.
Variant type: Duplication.
Coding change: c.2749+11dup on transcript NM_003998.4 (MANE Select); 11 bases into the intron after coding-DNA position 2749, one base duplicated (A; older notation c.2749+11dupA).
Molecular consequence: intron variant.
Genome position (GRCh38, 1-based): chr4:102,613,592, A duplicated; the last of 9 consecutive A bases (chr4:102,613,584-102,613,592); duplicating any one gives the same sequence. VCF-style (leftmost placement, unchanged base first): chr4-102613583-T-TA. GRCh37 (hg19) VCF-style: chr4-103534740-T-TA.
Other names: p.?; c.2749+11dupA (NM_003998.4); c.2749+11dup (NM_001382626.1, NM_001382625.1); c.2746+11dup (NM_001382627.1, NM_001165412.2, NM_001319226.2); c.2707+11dup (NM_001382628.1).
Identifiers: ClinVar variation 1164934 (VCV001164934.11), dbSNP rs148268461, ClinGen allele CA3026510.